The following is an entry in ClinVar:

NM_000256.3(MYBPC3):c.131G>A (p.Arg44His)

Gene: MYBPC3 (myosin binding protein C3; minus strand). Cytogenetic location: 11p11.2.
Variant type: single nucleotide variant.
Coding change: c.131G>A on transcript NM_000256.3 (MANE Select); coding-DNA position 131, G replaced by A.
Protein change: p.Arg44His; replaces arginine 44 with histidine.
Molecular consequence: missense variant.
Genome position (GRCh38, 1-based): chr11:47,351,400, C>T on the plus strand (G>A on the coding strand, the complement: MYBPC3 is on the minus strand). VCF-style: chr11-47351400-C-T. GRCh37 (hg19) VCF-style: chr11-47372951-C-T.
Other names: p.R44H:CGC>CAC; c.131G>A, p.Arg44His (LRG_386t1); short protein forms R44H.
Identifiers: ClinVar variation 180984 (VCV000180984.15), dbSNP rs369205562, ClinGen allele CA010081.

ClinVar aggregate classification (germline): Uncertain significance. Review status: criteria provided, multiple submitters, no conflicts (2 of 4 stars). 6 submissions from 6 submitters: Uncertain significance (6). Last evaluated 2025-06-25.

Conditions:
Cardiovascular phenotype. Identifiers: MedGen CN230736.
Cardiomyopathy (CMYO). Also called: Cardiomyopathies. Identifiers: Orphanet 167848, MedGen C0878544, MONDO:0004994, HP:0001638. Inheritance: Various modes of inheritance.
Hypertrophic cardiomyopathy. Also called: HYPERTROPHIC MYOCARDIOPATHY. Identifiers: Orphanet 217569, MedGen C0007194, MeSH D002312, MONDO:0005045, HP:0001639.

Allele frequency attached by ClinVar (database versions not stated): gnomAD 0.00003 and 0.00004; gnomAD exomes 0.00003 and 0.00005; ExAC 0.00004; TOPMed 0.00004; ESP Exome Variant Server 0.00008.
gnomAD v4.1: 41 of 1,609,568 alleles (0.0025%); highest among the groups gnomAD compares: Admixed American, 0.0084%; no homozygotes.

Submissions (6):

Labcorp Genetics (formerly Invitae), Labcorp
Classification: Uncertain significance for Hypertrophic cardiomyopathy. Last evaluated: 2025-06-25. Review status: criteria provided, single submitter. Criteria: Invitae Variant Classification Sherloc (09022015). Collection method: clinical testing. Allele origin: germline.
Comment: This sequence change replaces arginine, which is basic and polar, with histidine, which is basic and polar, at codon 44 of the MYBPC3 protein (p.Arg44His). This variant is present in population databases (rs369205562, gnomAD 0.007%). This missense change has been observed in individual(s) with dilated cardiomyopathy (PMID: 30871747). ClinVar contains an entry for this variant (Variation ID: 180984). An algorithm developed to predict the effect of missense changes on protein structure and function outputs the following: PolyPhen-2: "Probably Damaging". The histidine amino acid residue is found in multiple mammalian species, which suggests that this missense change does not adversely affect protein function. Experimental studies are conflicting or provide insufficient evidence to determine the effect of this variant on MYBPC3 function (PMID: 34097875). In summary, the available evidence is currently insufficient to determine the role of this variant in disease. Therefore, it has been classified as a Variant of Uncertain Significance.

All of Us Research Program, National Institutes of Health
Classification: Uncertain significance for Hypertrophic cardiomyopathy. Last evaluated: 2024-06-09. Review status: criteria provided, single submitter. Criteria: ACMG Guidelines, 2015. Collection method: clinical testing. Allele origin: germline. Inheritance: Autosomal dominant inheritance. Observed: 8 variant alleles, 8 heterozygotes.
Comment: This missense variant replaces arginine with histidine at codon 44 of the MYBPC3 protein. Computational prediction suggests that this variant may not impact protein structure and function (internally defined REVEL score threshold <= 0.5, PMID: 27666373). A functional study has reported that this variant may cause a slight change in protein stability but the impact was not as pronounced as that induced by a pathogenic variant (PMID: 34097875). This variant has been reported in an individual affected with dilated cardiomyopathy (PMID: 30871747). This variant has been identified in 14/271948 chromosomes in the general population by the Genome Aggregation Database (gnomAD). The available evidence is insufficient to determine the role of this variant in disease conclusively. Therefore, this variant is classified as a Variant of Uncertain Significance.

This study involves interpretation of variants in research participants for the purpose of population health screening. Participant phenotype was not available at the time of variant classification. Additional details can be found in publication PMID: 35346344, PMCID: PMC8962531

Color Diagnostics, LLC DBA Color Health
Classification: Uncertain significance for Cardiomyopathy. Last evaluated: 2024-04-05. Review status: criteria provided, single submitter. Criteria: ACMG Guidelines, 2015. Collection method: clinical testing. Allele origin: germline.
Comment: This missense variant replaces arginine with histidine at codon 44 of the MYBPC3 protein. Computational prediction tools indicate that this variant has a neutral impact on protein structure and function. A functional study has reported that this variant may cause a slight change in protein stability but the impact was not as pronounced as that induced by a pathogenic variant (PMID: 34097875). This variant has been reported in one individual affected with dilated cardiomyopathy (PMID: 30871747). This variant has been identified in 14/271948 chromosomes in the general population by the Genome Aggregation Database (gnomAD). The available evidence is insufficient to determine the role of this variant in disease conclusively. Therefore, this variant is classified as a Variant of Uncertain Significance.

Blueprint Genetics
Classification: Uncertain significance. Last evaluated: 2022-06-17. Review status: criteria provided, single submitter. Criteria: ACMG Guidelines, 2015. Collection method: clinical testing. Allele origin: germline.

Ambry Genetics
Classification: Uncertain significance for Cardiovascular phenotype. Last evaluated: 2022-05-04. Review status: criteria provided, single submitter. Criteria: Ambry Variant Classification Scheme 2023. Collection method: clinical testing. Allele origin: germline.
Comment: The p.R44H variant (also known as c.131G>A), located in coding exon 2 of the MYBPC3 gene, results from a G to A substitution at nucleotide position 131. The arginine at codon 44 is replaced by histidine, an amino acid with highly similar properties. This alteration has been reported in a dilated cardiomyopathy (DCM) cohort (Sousa A et al. Rev Port Cardiol (Engl Ed), 2019 Feb;38:129-139). This amino acid position is well conserved in available vertebrate species. In addition, this alteration is predicted to be tolerated by in silico analysis. Since supporting evidence is limited at this time, the clinical significance of this alteration remains unclear.

GeneDx
Classification: Uncertain significance. Last evaluated: 2020-04-06. Review status: criteria provided, single submitter. Criteria: GeneDx Variant Classification Process June 2021. Collection method: clinical testing. Allele origin: germline. Affected: yes.
Comment: Reported in an individual with DCM and atrial fibrillation; however, this proband was found to harbor a second cardiogenetic variant (Sousa et al. 2016); Reported in ClinVar as a variant of uncertain significance (ClinVar Variant ID# 180984; Landrum et al., 2016); In silico analysis supports that this missense variant does not alter protein structure/function; This variant is associated with the following publications: (PMID: 30871747)

Literature cited by the submitters: PubMed 30871747 (cited by 4 submitters); PubMed 34097875 (cited by 3 submitters).